The following is an entry in ClinVar:

ClinVar aggregate classification (germline): Uncertain significance. Review status: criteria provided, multiple submitters, no conflicts (2 of 4 stars). 2 submissions from 2 submitters: Uncertain significance (2). Last evaluated 2024-10-28.

Conditions:
Inborn genetic diseases. Identifiers: MedGen C0950123, MeSH D030342.

Allele frequency attached by ClinVar (database versions not stated): ExAC 0.00001.
gnomAD v4.1: 5 of 1,611,884 alleles (0.00031%); highest among the groups gnomAD compares: Admixed American, 0.0033%; no homozygotes.

Submissions (2):

Labcorp Genetics (formerly Invitae), Labcorp
Classification: Uncertain significance. Last evaluated: 2024-10-28. Review status: criteria provided, single submitter. Criteria: Invitae Variant Classification Sherloc (09022015). Collection method: clinical testing. Allele origin: germline.
Comment: This sequence change replaces arginine, which is basic and polar, with lysine, which is basic and polar, at codon 571 of the PNPLA8 protein (p.Arg571Lys). This variant is present in population databases (rs750608746, gnomAD 0.0009%). This variant has not been reported in the literature in individuals affected with PNPLA8-related conditions. ClinVar contains an entry for this variant (Variation ID: 1963500). An algorithm developed to predict the effect of missense changes on protein structure and function outputs the following: PolyPhen-2: "Benign". The lysine amino acid residue is found in multiple mammalian species, which suggests that this missense change does not adversely affect protein function. In summary, the available evidence is currently insufficient to determine the role of this variant in disease. Therefore, it has been classified as a Variant of Uncertain Significance.

Ambry Genetics
Classification: Uncertain significance for Inborn genetic diseases. Last evaluated: 2021-05-10. Review status: criteria provided, single submitter. Criteria: Ambry Variant Classification Scheme 2023. Collection method: clinical testing. Allele origin: germline.

NM_001256007.3(PNPLA8):c.1712G>A (p.Arg571Lys)

Gene: PNPLA8 (patatin like domain 8, phospholipase A2; minus strand). Cytogenetic location: 7q31.1.
Variant type: single nucleotide variant.
Coding change: c.1712G>A on transcript NM_001256007.3 (MANE Select); coding-DNA position 1712, G replaced by A.
Protein change: p.Arg571Lys; replaces arginine 571 with lysine.
Molecular consequence: missense variant. On other transcripts: intron variant (1).
Genome position (GRCh38, 1-based): chr7:108,487,925, C>T on the plus strand (G>A on the coding strand, the complement: PNPLA8 is on the minus strand). VCF-style: chr7-108487925-C-T. GRCh37 (hg19) VCF-style: chr7-108128369-C-T.
Other names: c.1412G>A, p.Arg471Lys (NM_001256011.3, NM_001256010.3); c.1712G>A, p.Arg571Lys (NM_015723.5, NM_001256008.3); c.1692+20G>A (NM_001256009.3); short protein forms R471K, R571K.
Identifiers: ClinVar variation 1963500 (VCV001963500.6), dbSNP rs750608746, ClinGen allele CA4439483.